The following is an entry in ClinVar:

ClinVar aggregate classification (germline): Uncertain significance (1 of 4 stars; one submission).

Submission:

Ambry Genetics
Classification: Uncertain significance. Last evaluated: 2023-12-22. Review status: criteria provided, single submitter. Criteria: Ambry Variant Classification Scheme 2023. Collection method: clinical testing. Allele origin: germline.
Comment: The p.S132G variant (also known as c.394A>G), located in coding exon 1 of the EGLN2 gene, results from an A to G substitution at nucleotide position 394. The serine at codon 132 is replaced by glycine, an amino acid with similar properties. This amino acid position is conserved. In addition, this alteration is predicted to be tolerated by in silico analysis. Since supporting evidence is limited at this time, the clinical significance of this alteration remains unclear.

NM_080732.4(EGLN2):c.394A>G (p.Ser132Gly)

Genes: EGLN2 (egl-9 family hypoxia inducible factor 2; plus strand), RAB4B-EGLN2 (RAB4B-EGLN2 readthrough (NMD candidate); plus strand). Cytogenetic location: 19q13.2.
Variant type: single nucleotide variant.
Coding change: c.394A>G on transcript NM_080732.4 (MANE Select); coding-DNA position 394, A replaced by G.
Protein change: p.Ser132Gly; replaces serine 132 with glycine.
Molecular consequence: missense variant. On other transcripts: non-coding transcript variant (1).
Genome position (GRCh38, 1-based): chr19:40,800,966, A>G. VCF-style: chr19-40800966-A-G. GRCh37 (hg19) VCF-style: chr19-41306871-A-G.
Other names: c.394A>G, p.Ser132Gly (NM_053046.4); short protein forms S132G.
Identifiers: ClinVar variation 3228999 (VCV003228999.1), dbSNP rs2515993939, ClinGen allele CA405955158.
Genomic context (GRCh38, chr19:40,800,966, plus strand): 5'-GCACGGCCTGAGGCCCCCAAACGGAAATGGGCCGAGGATGGTGGGGATGCCCCTTCACCC[A>G]GCAAACGGCCCTGGGCCAGGCAAGAGAACCAGGAGGCAGAGCGGGAGGGTGGCATGAGCT-3'
Protein context (NP_542770.2, residues 122-142): AEDGGDAPSP[Ser132Gly]KRPWARQENQ